The following is an entry in ClinVar:

ClinVar aggregate classification (germline): Uncertain significance (1 of 4 stars; one submission).

Conditions:
Leber congenital amaurosis 12 (LCA12). Identifiers: Orphanet 65, MedGen C1857743, MONDO:0012525, OMIM 610612.

Allele frequency attached by ClinVar (database versions not stated): gnomAD exomes below 0.00001.
gnomAD v4.1: 1 of 1,613,942 alleles (0.000062%); highest among the groups gnomAD compares: Non-Finnish European, 0.000085%; no homozygotes.

Submission:

Labcorp Genetics (formerly Invitae), Labcorp
Classification: Uncertain significance for Leber congenital amaurosis 12. Last evaluated: 2022-03-04. Review status: criteria provided, single submitter. Criteria: Invitae Variant Classification Sherloc (09022015). Collection method: clinical testing. Allele origin: germline.
Comment: This sequence change replaces threonine, which is neutral and polar, with isoleucine, which is neutral and non-polar, at codon 18 of the RD3 protein (p.Thr18Ile). This variant is not present in population databases (gnomAD no frequency). This variant has not been reported in the literature in individuals affected with RD3-related conditions. Algorithms developed to predict the effect of missense changes on protein structure and function (SIFT, PolyPhen-2, Align-GVGD) all suggest that this variant is likely to be tolerated. In summary, the available evidence is currently insufficient to determine the role of this variant in disease. Therefore, it has been classified as a Variant of Uncertain Significance.

NM_001164688.2(RD3):c.53C>T (p.Thr18Ile)

Gene: RD3 (RD3 regulator of GUCY2D; minus strand). Cytogenetic location: 1q32.3.
Variant type: single nucleotide variant.
Coding change: c.53C>T on transcript NM_001164688.2 (MANE Select); coding-DNA position 53, C replaced by T.
Protein change: p.Thr18Ile; replaces threonine 18 with isoleucine.
Molecular consequence: missense variant.
Genome position (GRCh38, 1-based): chr1:211,481,363, G>A on the plus strand (C>T on the coding strand, the complement: RD3 is on the minus strand). VCF-style: chr1-211481363-G-A. GRCh37 (hg19) VCF-style: chr1-211654705-G-A.
Other names: c.53C>T, p.Thr18Ile (NM_183059.3); short protein forms T18I.
Identifiers: ClinVar variation 2180365 (VCV002180365.4), dbSNP rs1705256917, ClinGen allele CA344879654.